The following is an entry in ClinVar:

ClinVar aggregate classification (germline): Uncertain significance (1 of 4 stars; one submission).

Conditions:
Developmental and epileptic encephalopathy, 54. Also called: HNRNPU-Related Neurodevelopmental Disorder; Epileptic encephalopathy, early infantile, 54. Identifiers: MedGen C4479319, MONDO:0033363, OMIM 617391.

Submission:

Labcorp Genetics (formerly Invitae), Labcorp
Classification: Uncertain significance for Developmental and epileptic encephalopathy, 54. Last evaluated: 2022-08-21. Review status: criteria provided, single submitter. Criteria: Invitae Variant Classification Sherloc (09022015). Collection method: clinical testing. Allele origin: germline.
Comment: This variant has not been reported in the literature in individuals affected with HNRNPU-related conditions. This variant is not present in population databases (gnomAD no frequency). This sequence change replaces histidine, which is basic and polar, with glutamine, which is neutral and polar, at codon 451 of the HNRNPU protein (p.His451Gln). Algorithms developed to predict the effect of missense changes on protein structure and function are either unavailable or do not agree on the potential impact of this missense change (SIFT: "Tolerated"; PolyPhen-2: "Not Available"; Align-GVGD: "Class C0"). In summary, the available evidence is currently insufficient to determine the role of this variant in disease. Therefore, it has been classified as a Variant of Uncertain Significance.

NM_031844.3(HNRNPU):c.1353C>G (p.His451Gln)

Gene: HNRNPU (heterogeneous nuclear ribonucleoprotein U; minus strand). Cytogenetic location: 1q44.
Variant type: single nucleotide variant.
Coding change: c.1353C>G on transcript NM_031844.3 (MANE Select); coding-DNA position 1353, C replaced by G.
Protein change: p.His451Gln; replaces histidine 451 with glutamine.
Molecular consequence: missense variant.
Genome position (GRCh38, 1-based): chr1:244,858,152, G>C on the plus strand (C>G on the coding strand, the complement: HNRNPU is on the minus strand). VCF-style: chr1-244858152-G-C. GRCh37 (hg19) VCF-style: chr1-245021454-G-C.
Other names: c.1296C>G, p.His432Gln (NM_004501.3); short protein forms H451Q, H432Q.
Identifiers: ClinVar variation 2025458 (VCV002025458.4), dbSNP rs2527877564, ClinGen allele CA345491823.